The following is an entry in ClinVar:

NM_000212.3(ITGB3):c.1300del (p.Gln434fs)

Gene: ITGB3 (integrin subunit beta 3; plus strand). Cytogenetic location: 17q21.32.
Variant type: Deletion.
Coding change: c.1300del on transcript NM_000212.3 (MANE Select); coding-DNA position 1300, one base deleted (C; older notation c.1300delC).
Protein change: p.Gln434fs; shifts the reading frame from glutamine 434.
Molecular consequence: frameshift variant.
Genome position (GRCh38, 1-based): chr17:47,292,178, C deleted; the last of 4 consecutive C bases (chr17:47,292,175-47,292,178); deleting any one gives the same sequence. VCF-style (leftmost placement, unchanged base first): chr17-47292174-TC-T. GRCh37 (hg19) VCF-style: chr17-45369540-TC-T.
Other names: NM_000212.3:c.1300del; short protein forms Q434fs.
Identifiers: ClinVar variation 1330322 (VCV001330322.1), dbSNP rs2143112489, ClinGen allele CA915940256.

ClinVar aggregate classification (germline): Pathogenic (3 of 4 stars; one submission).

Conditions:
Glanzmann thrombasthenia. Also called: THROMBASTHENIA OF GLANZMANN AND NAEGELI; BLEEDING DISORDER, PLATELET-TYPE, 2; Thrombasthenia; PLATELET GLYCOPROTEIN IIb-IIIa DEFICIENCY; Glanzmann's thrombasthenia. Identifiers: Orphanet 849, MedGen C0040015, MONDO:0100326.

Submission:

ClinGen Platelet Disorders Variant Curation Expert Panel, ClinGen
Classification: Pathogenic for Glanzmann thrombasthenia. Last evaluated: 2021-11-04. Review status: reviewed by expert panel. Criteria: ClinGen Platelet ACMG Specifications v2. Collection method: curation. Allele origin: germline. Inheritance: Autosomal recessive inheritance.
Comment: The NM_000212.3(ITGB3):c.1300del variant results in a frameshift (p.Gln434ArgfsTer9) with a premature stop codon in exon 10/15 leading to nonsense mediated decay in a gene in which loss-of-function is an established disease mechanism (PVS1). At least one proband has been reported with this variant, Homozygous patient GT42 of PMID: 29675921 who meets the criteria for PP4_strong (PM3_supporting). This variant is absent from gnomAD v2.1.1 (PM2_supporting). In summary, this variant meets the criteria to be classified as Pathogenic for autosomal recessive Glanzmann Thrombasthenia based on the ACMG/AMP criteria applied, as specified by the ClinGen PD VCEP: PVS1, PM2_supporting, PM3_supporting, PP4_strong. (VCEP specifications version 2; date of approval 11/04/2021)